The following is an entry in ClinVar:

NM_020549.5(CHAT):c.1468_1470delinsC (p.Glu490fs)

Gene: CHAT (choline O-acetyltransferase; plus strand). Cytogenetic location: 10q11.23.
Variant type: Indel.
Coding change: c.1468_1470delinsC on transcript NM_020549.5 (MANE Select); coding-DNA positions 1468 to 1470, GAA replaced by C.
Protein change: p.Glu490fs; shifts the reading frame from glutamic acid 490.
Molecular consequence: frameshift variant.
Genome position (GRCh38, 1-based): chr10:49,649,593-49,649,595, GAA replaced by C. VCF-style: chr10-49649593-GAA-C. GRCh37 (hg19) VCF-style: chr10-50857639-GAA-C.
Other names: c.1114_1116delinsC, p.Glu372fs (NM_001142929.2, NM_001142934.2, NM_020984.4 and 2 more transcripts); c.1222_1224delinsC, p.Glu408fs (NM_001142933.2); c.1468_1470delGAAinsC, p.Glu490Hisfs (NM_020549.4); short protein forms E372fs, E408fs, E490fs.
Identifiers: ClinVar variation 1705068 (VCV001705068.2), dbSNP rs2538864425, ClinGen allele CA2580081691.

ClinVar aggregate classification (germline): Likely pathogenic. Review status: criteria provided, multiple submitters, no conflicts (2 of 4 stars). 2 submissions from 2 submitters: Likely pathogenic (2). Last evaluated 2023-02-05.

Conditions:
Familial infantile myasthenia (CMS6). Also called: MYASTHENIC SYNDROME, CONGENITAL, 6, PRESYNAPTIC; Congenital myasthenic syndrome type 6; MYASTHENIC SYNDROME, PRESYNAPTIC, CONGENITAL, ASSOCIATED WITH EPISODIC APNEA. Identifiers: Orphanet 590, MedGen C0393929, MONDO:0009689, OMIM 254210.
Congenital myasthenic syndrome (CMS). Also called: Congenital Myasthenic Syndromes. Identifiers: Orphanet 590, MedGen C0751882, MeSH D020294, MONDO:0018940.

Submissions (2):

Baylor Genetics
Classification: Likely pathogenic for Familial infantile myasthenia. Last evaluated: 2023-02-05. Review status: criteria provided, single submitter. Criteria: ACMG Guidelines, 2015. Collection method: clinical testing. Allele origin: unknown.

Women's Health and Genetics/Laboratory Corporation of America, LabCorp
Classification: Likely pathogenic for Congenital myasthenic syndrome. Last evaluated: 2022-08-10. Review status: criteria provided, single submitter. Criteria: LabCorp Variant Classification Summary - May 2015. Collection method: clinical testing. Allele origin: germline.
Comment: Variant summary: CHAT c.1468_1470delinsC (p.Glu490HisfsX20) results in a premature termination codon, predicted to cause a truncation of the encoded protein or absence of the protein due to nonsense mediated decay, which are commonly known mechanisms for disease. Truncations downstream of this position have been reported in affected individuals (HGMD). The variant was absent in 249678 control chromosomes (gnomAD). To our knowledge, no occurrence of c.1468_1470delinsC in individuals affected with Congenital Myasthenic Syndrome and no experimental evidence demonstrating its impact on protein function have been reported. No clinical diagnostic laboratories have submitted clinical-significance assessments for this variant to ClinVar after 2014. Based on the evidence outlined above, the variant was classified as likely pathogenic.